The following is an entry in ClinVar:

NM_025179.4(PLXNA2):c.1402G>A (p.Val468Ile)

Gene: PLXNA2 (plexin A2; minus strand). Cytogenetic location: 1q32.2.
Variant type: single nucleotide variant.
Coding change: c.1402G>A on transcript NM_025179.4 (MANE Select); coding-DNA position 1402, G replaced by A.
Protein change: p.Val468Ile; replaces valine 468 with isoleucine.
Molecular consequence: missense variant.
Genome position (GRCh38, 1-based): chr1:208,142,433, C>T on the plus strand (G>A on the coding strand, the complement: PLXNA2 is on the minus strand). VCF-style: chr1-208142433-C-T. GRCh37 (hg19) VCF-style: chr1-208315778-C-T.
Other names: short protein forms V468I.
Identifiers: ClinVar variation 4989056 (VCV004989056.1).
Genomic context (GRCh38, chr1:208,142,433, plus strand): 5'-AGGCCATGTCCCGGAGGATGGGGCTTCCGTCCTTGAGCACAGAGACCATCTCGTACTGGA[C>T]CCCACCATGGGGGGGACCGTCGGCCCGAATCTGTATGAGAAACAAGGGTGTCCTCAGCAT-3'
Protein context (NP_079455.3, residues 458-478): IRADGPPHGG[Val468Ile]QYEMVSVLKD

ClinVar aggregate classification (germline): Uncertain significance (1 of 4 stars; one submission).

Conditions:
PLXNA2-related disorder. Also called: PLXNA2-related condition.

gnomAD v4.1: 5 of 1,612,432 alleles (0.00031%); highest among the groups gnomAD compares: African/African-American, 0.0067%; no homozygotes.

Submission:

PreventionGenetics, part of Exact Sciences
Classification: Uncertain significance for PLXNA2-related condition. Last evaluated: 2026-06-19. Review status: criteria provided, single submitter. Criteria: ACMG Guidelines, 2015. Collection method: clinical testing. Allele origin: germline.
Comment: The PLXNA2 c.1402G>A variant is predicted to result in the amino acid substitution p.Val468Ile. To our knowledge, this variant has not been reported in the literature. This variant is reported in 0.025% of alleles in individuals of African descent in gnomAD. At this time, the clinical significance of this variant is uncertain due to the absence of conclusive functional and genetic evidence.